The following is an entry in ClinVar:

NM_024649.5(BBS1):c.739G>A (p.Val247Ile)

Genes: BBS1 (Bardet-Biedl syndrome 1; plus strand), ZDHHC24 (zDHHC palmitoyltransferase 24; minus strand). Cytogenetic location: 11q13.2.
Variant type: single nucleotide variant.
Coding change: c.739G>A on transcript NM_024649.5 (MANE Select); coding-DNA position 739, G replaced by A.
Protein change: p.Val247Ile; replaces valine 247 with isoleucine.
Molecular consequence: missense variant. On other transcripts: 3 prime UTR variant (1).
Genome position (GRCh38, 1-based): chr11:66,521,285, G>A. VCF-style: chr11-66521285-G-A. GRCh37 (hg19) VCF-style: chr11-66288756-G-A.
Other names: c.*203C>T (NM_001348571.2); short protein forms V247I.
Identifiers: ClinVar variation 863198 (VCV000863198.11), dbSNP rs763004810, ClinGen allele CA6123477.

ClinVar aggregate classification (germline): Uncertain significance. Review status: criteria provided, multiple submitters, no conflicts (2 of 4 stars). 5 submissions from 5 submitters: Uncertain significance (4). 1 of the submissions does not count toward it. Last evaluated 2026-06-30.

Conditions:
Bardet-Biedl syndrome 1 (BBS1). Identifiers: MedGen C2936862, MONDO:0008854, OMIM 209900. Disease mechanism: loss of function.
Bardet-Biedl syndrome (BBS). Identifiers: Orphanet 110, MedGen C0752166, MONDO:0015229.
BBS1-related disorder. Also called: BBS1-related condition.

Allele frequency attached by ClinVar (database versions not stated): gnomAD exomes 0.00001 and 0.00003; TOPMed 0.00002; ExAC 0.00001; gnomAD 0.00001.
gnomAD v4.1: 55 of 1,613,976 alleles (0.0034%); highest among the groups gnomAD compares: Non-Finnish European, 0.0041%; no homozygotes.

Submissions (5):

PreventionGenetics, part of Exact Sciences
Classification: Uncertain significance for BBS1-related condition. Last evaluated: 2026-06-30. Review status: criteria provided, single submitter. Criteria: ACMG Guidelines, 2015. Collection method: clinical testing. Allele origin: germline.
Comment: The BBS1 c.739G>A variant is predicted to result in the amino acid substitution p.Val247Ile. To our knowledge, this variant has not been reported in the literature. This variant is reported in 0.0018% of alleles in individuals of European (Non-Finnish) descent in gnomAD. At this time, the clinical significance of this variant is uncertain due to the absence of conclusive functional and genetic evidence.

Blueprint Genetics
Classification: Uncertain significance. Last evaluated: 2024-09-12. Review status: criteria provided, single submitter. Criteria: ACMG Guidelines, 2015. Collection method: clinical testing. Allele origin: germline.

Fulgent Genetics
Classification: Uncertain significance for Bardet-Biedl syndrome 1. Last evaluated: 2024-06-03. Review status: criteria provided, single submitter. Criteria: ACMG Guidelines, 2015. Collection method: clinical testing. Allele origin: germline.

Labcorp Genetics (formerly Invitae), Labcorp
Classification: Uncertain significance for Bardet-Biedl syndrome. Last evaluated: 2022-10-17. Review status: criteria provided, single submitter. Criteria: Invitae Variant Classification Sherloc (09022015). Collection method: clinical testing. Allele origin: germline.
Comment: This sequence change replaces valine, which is neutral and non-polar, with isoleucine, which is neutral and non-polar, at codon 247 of the BBS1 protein (p.Val247Ile). This variant is present in population databases (rs763004810, gnomAD 0.002%). This variant has not been reported in the literature in individuals affected with BBS1-related conditions. ClinVar contains an entry for this variant (Variation ID: 863198). Advanced modeling of protein sequence and biophysical properties (such as structural, functional, and spatial information, amino acid conservation, physicochemical variation, residue mobility, and thermodynamic stability) performed at Invitae indicates that this missense variant is not expected to disrupt BBS1 protein function. In summary, the available evidence is currently insufficient to determine the role of this variant in disease. Therefore, it has been classified as a Variant of Uncertain Significance.

Natera, Inc.
Classification: Uncertain significance for Bardet-Biedl syndrome type 1. Last evaluated: 2020-10-28. Review status: no assertion criteria provided. Collection method: clinical testing. Allele origin: germline. Not counted in ClinVar's aggregate classification.